The following is an entry in ClinVar:

NM_001256447.2(BCAP31):c.372G>A (p.Ser124=)

Gene: BCAP31 (B cell receptor associated protein 31; minus strand). Cytogenetic location: Xq28.
Variant type: single nucleotide variant.
Coding change: c.372G>A on transcript NM_001256447.2 (MANE Select); coding-DNA position 372, G replaced by A.
Protein change: p.Ser124=; no amino-acid change (serine 124 retained).
Molecular consequence: synonymous variant.
Genome position (GRCh38, 1-based): chrX:153,704,064, C>T on the plus strand (G>A on the coding strand, the complement: BCAP31 is on the minus strand). VCF-style: chrX-153704064-C-T. GRCh37 (hg19) VCF-style: chrX-152969519-C-T.
Other names: c.372G>A, p.Ser124= (NM_001139441.1, NM_005745.8); c.573G>A, p.Ser191= (NM_001139457.2).
Identifiers: ClinVar variation 1990495 (VCV001990495.5), dbSNP rs782427826, ClinGen allele CA10549780.
Genomic context (GRCh38, chrX:153,704,064, plus strand): 5'-ACTAGCACTCTCCGCCTGCTTTTTAAAGGCTTCATTGGAGGCCAGCAGCGTGGCCTGCTG[C>T]GAAATGAGAGTCACCAGGCGTCTAAGCAGGCTGCAATTATTTACAAAAAGAAGGGAGAAG-3'
Protein context (NP_001243376.1, residues 114-134): FLLRRLVTLI[Ser124=]QQATLLASNE

ClinVar aggregate classification (germline): Likely benign. Review status: criteria provided, multiple submitters, no conflicts (2 of 4 stars). 2 submissions from 2 submitters: Likely benign (2). Last evaluated 2026-09-01.

Conditions:
BCAP31-related disorder. Also called: BCAP31-related condition.

Allele frequency attached by ClinVar (database versions not stated): gnomAD exomes 0.00001; gnomAD 0.00006; TOPMed 0.00008.

Submissions (2):

PreventionGenetics, part of Exact Sciences
Classification: Likely benign for BCAP31-related condition. Last evaluated: 2026-09-01. Review status: criteria provided, single submitter. Criteria: ACMG Guidelines, 2015. Collection method: clinical testing. Allele origin: germline.
Comment: This variant is classified as likely benign based on ACMG/AMP sequence variant interpretation guidelines (Richards et al. 2015 PMID: 25741868, with internal and published modifications).

Labcorp Genetics (formerly Invitae), Labcorp
Classification: Likely benign. Last evaluated: 2025-08-14. Review status: criteria provided, single submitter. Criteria: Invitae Variant Classification Sherloc (09022015). Collection method: clinical testing. Allele origin: germline.